The following is an entry in ClinVar:

ClinVar aggregate classification (germline): Uncertain significance (1 of 4 stars; one submission).

Submission:

Ambry Genetics
Classification: Uncertain significance. Last evaluated: 2025-07-25. Review status: criteria provided, single submitter. Criteria: Ambry Variant Classification Scheme 2023. Collection method: clinical testing. Allele origin: germline.
Comment: The p.G539E variant (also known as c.1616G>A), located in coding exon 16 of the SRP72 gene, results from a G to A substitution at nucleotide position 1616. The glycine at codon 539 is replaced by glutamic acid, an amino acid with similar properties. This amino acid position is conserved. In addition, this alteration is predicted to be deleterious by in silico analysis. Based on the available evidence, the clinical significance of this variant remains unclear.

NM_006947.4(SRP72):c.1616G>A (p.Gly539Glu)

Gene: SRP72 (signal recognition particle 72; plus strand). Cytogenetic location: 4q12.
Variant type: single nucleotide variant.
Coding change: c.1616G>A on transcript NM_006947.4 (MANE Select); coding-DNA position 1616, G replaced by A.
Protein change: p.Gly539Glu; replaces glycine 539 with glutamic acid.
Molecular consequence: missense variant. On other transcripts: non-coding transcript variant (1).
Genome position (GRCh38, 1-based): chr4:56,491,544, G>A. VCF-style: chr4-56491544-G-A. GRCh37 (hg19) VCF-style: chr4-57357710-G-A.
Other names: c.1433G>A, p.Gly478Glu (NM_001267722.2); short protein forms G539E, G478E.
Identifiers: ClinVar variation 4174946 (VCV004174946.1).
Genomic context (GRCh38, chr4:56,491,544, plus strand): 5'-AGGCTCTTGAAAATTCTGCTGGTGCTACATACATTCGGAAGAAGGGTGGAAAAGTTACTG[G>A]AGATAGTCAACCAAAGGAACAAGGGTAATATTTTTCATTGTAACGTTCTCTAATGCTGAT-3'
Protein context (NP_008878.3, residues 529-549): YIRKKGGKVT[Gly539Glu]DSQPKEQGQG